The following is an entry in ClinVar:

NM_001447.3(FAT2):c.6178A>G (p.Ile2060Val)

Genes: FAT2 (FAT atypical cadherin 2; minus strand), SLC36A1 (solute carrier family 36 member 1; plus strand). Cytogenetic location: 5q33.1.
Variant type: single nucleotide variant.
Coding change: c.6178A>G on transcript NM_001447.3 (MANE Select); coding-DNA position 6178, A replaced by G.
Protein change: p.Ile2060Val; replaces isoleucine 2060 with valine.
Molecular consequence: missense variant.
Genome position (GRCh38, 1-based): chr5:151,544,949, T>C on the plus strand (A>G on the coding strand, the complement: FAT2 is on the minus strand). VCF-style: chr5-151544949-T-C. GRCh37 (hg19) VCF-style: chr5-150924510-T-C.
Other names: short protein forms I2060V.
Identifiers: ClinVar variation 3251552 (VCV003251552.1), dbSNP rs1386009196.

ClinVar aggregate classification (germline): Uncertain significance (1 of 4 stars; one submission).

Allele frequency attached by ClinVar (database versions not stated): TOPMed 0.00001; gnomAD 0.00002.
gnomAD v4.1: 9 of 1,614,082 alleles (0.00056%); highest among the groups gnomAD compares: African/African-American, 0.0027%; no homozygotes.

Submission:

Women's Health and Genetics/Laboratory Corporation of America, LabCorp
Classification: Uncertain significance. Last evaluated: 2024-04-03. Review status: criteria provided, single submitter. Criteria: LabCorp Variant Classification Summary - May 2015. Collection method: clinical testing. Allele origin: germline.
Comment: Variant summary: FAT2 c.6178A>G (p.Ile2060Val) results in a conservative amino acid change located in the cadherin-like domain (IPR002126) of the encoded protein sequence. Five of five in-silico tools predict a benign effect of the variant on protein function. The variant allele was found at a frequency of 4e-06 in 250814 control chromosomes (gnomAD). The available data on variant occurrences in the general population are insufficient to allow any conclusion about variant significance. To our knowledge, no occurrence of c.6178A>G in individuals affected with Spinocerebellar Ataxia 45 and no experimental evidence demonstrating its impact on protein function have been reported. No submitters have cited clinical-significance assessments for this variant to ClinVar. Based on the evidence outlined above, the variant was classified as uncertain significance.